The following is an entry in ClinVar:

ClinVar aggregate classification (germline): Uncertain significance (1 of 4 stars; one submission).

Conditions:
Combined immunodeficiency due to MALT1 deficiency. Also called: Immunodeficiency 12. Identifiers: Orphanet 397964, MedGen C3809583, MONDO:0014197, OMIM 615468.

Allele frequency attached by ClinVar (database versions not stated): gnomAD exomes below 0.00001.
gnomAD v4.1: 1 of 1,613,424 alleles (0.000062%); highest among the groups gnomAD compares: African/African-American, 0.0013%; no homozygotes.

Submission:

Labcorp Genetics (formerly Invitae), Labcorp
Classification: Uncertain significance for Combined immunodeficiency due to MALT1 deficiency. Last evaluated: 2021-05-01. Review status: criteria provided, single submitter. Criteria: Invitae Variant Classification Sherloc (09022015). Collection method: clinical testing. Allele origin: germline.
Comment: Algorithms developed to predict the effect of missense changes on protein structure and function (SIFT, PolyPhen-2, Align-GVGD) all suggest that this variant is likely to be tolerated, but these predictions have not been confirmed by published functional studies and their clinical significance is uncertain. In summary, the available evidence is currently insufficient to determine the role of this variant in disease. Therefore, it has been classified as a Variant of Uncertain Significance. This variant has not been reported in the literature in individuals with MALT1-related conditions. This sequence change replaces valine with leucine at codon 249 of the MALT1 protein (p.Val249Leu). The valine residue is moderately conserved and there is a small physicochemical difference between valine and leucine. This variant is not present in population databases (ExAC no frequency).

NM_006785.4(MALT1):c.745G>C (p.Val249Leu)

Gene: MALT1 (MALT1 paracaspase; plus strand). Cytogenetic location: 18q21.32.
Variant type: single nucleotide variant.
Coding change: c.745G>C on transcript NM_006785.4 (MANE Select); coding-DNA position 745, G replaced by C.
Protein change: p.Val249Leu; replaces valine 249 with leucine.
Molecular consequence: missense variant.
Genome position (GRCh38, 1-based): chr18:58,709,473, G>C. VCF-style: chr18-58709473-G-C. GRCh37 (hg19) VCF-style: chr18-56376705-G-C.
Other names: c.745G>C, p.Val249Leu (NM_173844.3); short protein forms V249L.
Identifiers: ClinVar variation 1054719 (VCV001054719.9), dbSNP rs2144387542, ClinGen allele CA402573272.